The following is an entry in ClinVar:

ClinVar aggregate classification (germline): Likely benign. Review status: criteria provided, single submitter (1 of 4 stars). 2 submissions from 2 submitters: Likely benign (1). 1 of the submissions does not count toward it. Last evaluated 2025-07-24.

Conditions:
Bardet-Biedl syndrome (BBS). Identifiers: Orphanet 110, MedGen C0752166, MONDO:0015229.
TRIM32-related disorder. Also called: TRIM32-related condition.

Allele frequency attached by ClinVar (database versions not stated): gnomAD exomes below 0.00001; gnomAD 0.00001.
gnomAD v4.1: 2 of 1,614,008 alleles (0.00012%); highest among the groups gnomAD compares: Admixed American, 0.0017%; no homozygotes.

Submissions (2):

Labcorp Genetics (formerly Invitae), Labcorp
Classification: Likely benign for Bardet-Biedl syndrome. Last evaluated: 2025-07-24. Review status: criteria provided, single submitter. Criteria: Invitae Variant Classification Sherloc (09022015). Collection method: clinical testing. Allele origin: germline.

PreventionGenetics, part of Exact Sciences
Classification: Likely benign for TRIM32-related condition. Last evaluated: 2024-06-23. Review status: no assertion criteria provided. Collection method: clinical testing. Allele origin: germline. Not counted in ClinVar's aggregate classification.
Comment: This variant is classified as likely benign based on ACMG/AMP sequence variant interpretation guidelines (Richards et al. 2015 PMID: 25741868, with internal and published modifications).

NM_012210.4(TRIM32):c.564T>C (p.Tyr188=)

Genes: ASTN2 (astrotactin 2; minus strand), TRIM32 (tripartite motif containing 32; plus strand). Cytogenetic location: 9q33.1.
Variant type: single nucleotide variant.
Coding change: c.564T>C on transcript NM_012210.4 (MANE Select); coding-DNA position 564, T replaced by C.
Protein change: p.Tyr188=; no amino-acid change (tyrosine 188 retained).
Molecular consequence: synonymous variant. On other transcripts: intron variant (3).
Genome position (GRCh38, 1-based): chr9:116,698,306, T>C. VCF-style: chr9-116698306-T-C. GRCh37 (hg19) VCF-style: chr9-119460585-T-C.
Other names: c.564T>C, p.Tyr188= (NM_001099679.2, NM_001379048.1, NM_001379049.1 and 1 more transcripts); c.2653+27465A>G (NM_014010.5); c.2794+27465A>G (NM_001365069.1); c.2806+27465A>G (NM_001365068.1).
Identifiers: ClinVar variation 1956892 (VCV001956892.6), dbSNP rs1033981624, ClinGen allele CA198769672.